The following is an entry in ClinVar:

ClinVar aggregate classification (germline): Likely pathogenic (0 of 4 stars; one submission).

Conditions:
Generalized epilepsy with febrile seizures plus, type 10. Also called: GEFS+, TYPE 10. Identifiers: MedGen C5193120, MONDO:0032777, OMIM 618482.

Submission:

Hong-Tao Li Lab, Institute of Brain Science and Brain-inspired Research, Shandong First Medical University & Shandong Academy of Medical Sciences China
Classification: Likely pathogenic for Generalized epilepsy with febrile seizures plus, type 10. Review status: no assertion criteria provided. Collection method: research. Allele origin: germline. Inheritance: Autosomal dominant inheritance. Affected: yes. Observed: 1 variant allele, 1 heterozygote.
Comment: Observed in affected individuals from a Pakistani neurodevelopmental-disorder research cohort of 263 individuals. Classification assigned using the ACMG/AMP framework.

Single allele

Gene: HCN1 (hyperpolarization activated cyclic nucleotide gated potassium channel 1; minus strand). Cytogenetic location: 5p12.
Variant type: Duplication.
Identifiers: ClinVar variation 4884817 (VCV004884817.1).